The following is an entry in ClinVar:

ClinVar aggregate classification (germline): Pathogenic. Review status: criteria provided, multiple submitters, no conflicts (2 of 4 stars). 5 submissions from 5 submitters: Pathogenic (3). 2 of the submissions do not count toward it. Last evaluated 2026-07-01.

Conditions:
Hyperekplexia 3 (HKPX3). Also called: HYPEREKPLEXIA 3, AUTOSOMAL RECESSIVE; HYPEREKPLEXIA 3, AUTOSOMAL DOMINANT. Identifiers: Orphanet 3197, MedGen C3553288, MONDO:0013827, OMIM 614618.

Allele frequency attached by ClinVar (database versions not stated): gnomAD 0.00004 and 0.00003; ExAC 0.00001; gnomAD exomes 0.00001 and 0.00003; TOPMed 0.00003.
gnomAD v4.1: 42 of 1,613,738 alleles (0.0026%); highest among the groups gnomAD compares: Non-Finnish European, 0.0035%; no homozygotes.

Submissions (5):

CeGaT Center for Human Genetics Tuebingen
Classification: Pathogenic. Last evaluated: 2026-07-01. Review status: criteria provided, single submitter. Criteria: CeGaT Center For Human Genetics Tuebingen Variant Classification Criteria Version 2. Collection method: clinical testing. Allele origin: germline. Affected: yes. Observed: 2 variant alleles.
Comment: SLC6A5: PVS1, PM2, PM3

Labcorp Genetics (formerly Invitae), Labcorp
Classification: Pathogenic for Hyperekplexia 3. Last evaluated: 2025-11-17. Review status: criteria provided, single submitter. Criteria: Invitae Variant Classification Sherloc (09022015). Collection method: clinical testing. Allele origin: germline.
Comment: This sequence change creates a premature translational stop signal (p.Tyr377*) in the SLC6A5 gene. It is expected to result in an absent or disrupted protein product. Loss-of-function variants in SLC6A5 are known to be pathogenic (PMID: 14622583, 16751771, 22700964). This variant is present in population databases (rs121908493, gnomAD 0.002%). This premature translational stop signal has been observed in individuals with hyperekplexia (PMID: 16751771, 16884688). ClinVar contains an entry for this variant (Variation ID: 5761). Algorithms developed to predict the effect of sequence changes on RNA splicing suggest that this variant may disrupt the consensus splice site. For these reasons, this variant has been classified as Pathogenic.

Dasa
Classification: Pathogenic for Hyperekplexia 3. Last evaluated: 2022-01-05. Review status: criteria provided, single submitter. Criteria: ACMG Guidelines, 2015. Collection method: clinical testing. Allele origin: germline. Affected: yes. Observed: 1 variant allele.
Comment: The c.1131C>A;p.(Tyr377*) variant creates a premature translational stop signal in the SLC6A5 gene. It is expected to result in an absent or disrupted protein product -PVS1. This sequence change has been observed in affected individual(s) and ClinVar contains an entry for this variant (ClinVar ID: 5761; PMID: 16884688; 16751771; 31604777; 32714574; 22114948; 29859229; 18707791; 22700964; 33310157) - PS4. Well-established in vitro or in vivo functional studies support a damaging effect on the gene or gene product (PMID: 16884688) - PS3_supporting. The variant is present at low allele frequencies population databases (rs121908493 – gnomAD 0.003285%; ABraOM no frequency) -PM2_supporting. The p.(Tyr377*) was detected in trans with a pathogenic variant (PMID: 16751771) - PM3. The variant co-segregated with disease in multiple affected family members (PMID: 16884688) - PP1. In summary, the currently available evidence indicates that the variant is pathogenic.

GeneReviews
Classification: Pathogenic for Hyperekplexia. Last evaluated: 2012-10-04. Review status: no assertion criteria provided. Collection method: curation. Allele origin: unknown. Not counted in ClinVar's aggregate classification.
ClinVar note: Converted during submission from pathologic to Pathogenic.

OMIM
Classification: Pathogenic for HYPEREKPLEXIA 3, AUTOSOMAL RECESSIVE. Last evaluated: 2006-07-01. Review status: no assertion criteria provided. Collection method: literature only. Allele origin: germline. Not counted in ClinVar's aggregate classification.

Literature cited by the submitters: PubMed 14622583 (cited by Labcorp Genetics (formerly Invitae), Labcorp); PubMed 16751771 (cited by 3 submitters); PubMed 22700964 (cited by Labcorp Genetics (formerly Invitae), Labcorp and Dasa); PubMed 16884688 (cited by Labcorp Genetics (formerly Invitae), Labcorp and Dasa); PubMed 31604777 (cited by Dasa); PubMed 32714574 (cited by Dasa); PubMed 22114948 (cited by Dasa); PubMed 29859229 (cited by Dasa); PubMed 18707791 (cited by Dasa); PubMed 33310157 (cited by Dasa).

NM_004211.5(SLC6A5):c.1131C>A (p.Tyr377Ter)

Gene: SLC6A5 (solute carrier family 6 member 5; plus strand). Cytogenetic location: 11p15.1.
Variant type: single nucleotide variant.
Coding change: c.1131C>A on transcript NM_004211.5 (MANE Select); coding-DNA position 1131, C replaced by A.
Protein change: p.Tyr377Ter; replaces tyrosine 377 with a stop codon.
Molecular consequence: nonsense.
Genome position (GRCh38, 1-based): chr11:20,617,755, C>A. VCF-style: chr11-20617755-C-A. GRCh37 (hg19) VCF-style: chr11-20639301-C-A.
Other names: C1131A; c.429C>A, p.Tyr143Ter (NM_001318369.2); short protein forms Y377*, Y143*.
Identifiers: ClinVar variation 5761 (VCV000005761.16), dbSNP rs121908493, ClinGen allele CA340450.